The following is an entry in ClinVar:

NM_001374828.1(ARID1B):c.3797del (p.Lys1266fs)

Gene: ARID1B (AT-rich interaction domain 1B; plus strand). Cytogenetic location: 6q25.3.
Variant type: Deletion.
Coding change: c.3797del on transcript NM_001374828.1 (MANE Select); coding-DNA position 3797, one base deleted (A; older notation c.3797delA).
Protein change: p.Lys1266fs; shifts the reading frame from lysine 1266.
Molecular consequence: frameshift variant.
Genome position (GRCh38, 1-based): chr6:157,184,313, A deleted; the last of 5 consecutive A bases (chr6:157,184,309-157,184,313); deleting any one gives the same sequence. VCF-style (leftmost placement, unchanged base first): chr6-157184308-GA-G. GRCh37 (hg19) VCF-style: chr6-157505442-GA-G.
Other names: c.3428delA (NM_020732.3); c.1298del, p.Lys433fs (NM_001363725.2); c.3677del, p.Lys1226fs (NM_001371656.1, NM_001374820.1); c.3638del, p.Lys1213fs (NM_017519.3); short protein forms K433fs, K1213fs, K1226fs, K1266fs.
Identifiers: ClinVar variation 451580 (VCV000451580.2), dbSNP rs1554231830, ClinGen allele CA658655964.

ClinVar aggregate classification (germline): Pathogenic (1 of 4 stars; one submission).

Submission:

GeneDx
Classification: Pathogenic. Last evaluated: 2017-08-29. Review status: criteria provided, single submitter. Criteria: GeneDx Variant Classification (06012015). Collection method: clinical testing. Allele origin: germline. Affected: yes.
Comment: The c.3428delA pathogenic variant in the ARID1B gene causes a frameshift starting with codon Lysine 1143, changes this amino acid to a Serine residue and creates a premature Stop codon at position 68 of the new reading frame, denoted p.Lys1143SerfsX68. This pathogenic variant is predicted to cause loss of normal protein function either through protein truncation or nonsense-mediated mRNA decay. Furthermore, the c.3428delA variant is not observed in large population cohorts (Lek et al., 2016; 1000 Genomes Consortium et al., 2015; Exome Variant Server).